The following is an entry in ClinVar:

NM_000492.4(CFTR):c.3390TAT[1] (p.Ile1132del)

Genes: CFTR (CF transmembrane conductance regulator; plus strand), CFTR-AS2 (CFTR antisense RNA 2; minus strand). Cytogenetic location: 7q31.2.
Variant type: Microsatellite.
Coding change: c.3390TAT[1] on transcript NM_000492.4 (MANE Select); one copy of the 3-base unit TAT starting at c.3390; the reference has two copies in a row; one copy, 3 bases deleted; also written c.3393_3395del.
Protein change: p.Ile1132del; deletes isoleucine 1132.
Molecular consequence: inframe deletion.
Genome position (GRCh38, 1-based): chr7:117,614,638-117,614,640, TAT deleted; deleting any 3 consecutive bases within chr7:117,614,635-117,614,640 gives the same sequence; the position shown is the placement nearest the transcript's 3' end. VCF-style (leftmost placement, unchanged base first): chr7-117614634-GTAT-G. GRCh37 (hg19) VCF-style: chr7-117254688-GTAT-G.
Other names: c.3393_3395del (NM_000492.4); short protein forms I1132del.
Identifiers: ClinVar variation 5007146 (VCV005007146.2).

ClinVar aggregate classification (germline): Uncertain significance (1 of 4 stars; one submission).

Conditions:
Hereditary pancreatitis (PCTT). Also called: Hereditary chronic pancreatitis; PRSS1-Related Hereditary Pancreatitis. Identifiers: Orphanet 676, MedGen C0238339, MONDO:0008185, OMIM 167800.
Congenital bilateral aplasia of vas deferens from CFTR mutation (CBAVD). Identifiers: Orphanet 48, MedGen C0403814, MONDO:0010178, OMIM 277180. Disease mechanism: loss of function.
Cystic fibrosis (CF). Also called: MUCOVISCIDOSIS. Identifiers: Orphanet 586, MedGen C0010674, MONDO:0009061, OMIM 219700. Disease mechanism: loss of function.
Bronchiectasis with or without elevated sweat chloride 1 (BESC1). Also called: Cystic Fibrosis-Like Syndrome. Identifiers: Orphanet 60033, MedGen C2749757, MONDO:0008887, OMIM 211400.

Submission:

Juno Genomics, Hangzhou Juno Genomics, Inc
Classification: Uncertain significance for Bronchiectasis with or without elevated sweat chloride 1; Hereditary pancreatitis; Congenital bilateral aplasia of vas deferens from CFTR mutation; Cystic fibrosis. Review status: criteria provided, single submitter. Criteria: ACMG Guidelines, 2015. Collection method: clinical testing. Allele origin: germline.
Comment: Absent from controls (or at extremely low frequency if recessive) in Genome Aggregation Database.;Protein length changes due to in-frame deletions/insertions in a non-repeat region or stop-loss variants.